The following is an entry in ClinVar:

NM_004633.4(IL1R2):c.318C>T (p.Tyr106=)

Gene: IL1R2 (interleukin 1 receptor type 2; plus strand). Cytogenetic location: 2q11.2.
Variant type: single nucleotide variant.
Coding change: c.318C>T on transcript NM_004633.4 (MANE Select); coding-DNA position 318, C replaced by T.
Protein change: p.Tyr106=; no amino-acid change (tyrosine 106 retained).
Molecular consequence: synonymous variant. On other transcripts: non-coding transcript variant (1).
Genome position (GRCh38, 1-based): chr2:102,009,812, C>T. VCF-style: chr2-102009812-C-T. GRCh37 (hg19) VCF-style: chr2-102626274-C-T.
Other names: c.318C>T, p.Tyr106= (NM_001261419.2).
Identifiers: ClinVar variation 2651211 (VCV002651211.24), dbSNP rs142963191, ClinGen allele CA1807724.

ClinVar aggregate classification (germline): Likely benign (1 of 4 stars; one submission).

Allele frequency attached by ClinVar (database versions not stated): 1000 Genomes Project 30x 0.00047; 1000 Genomes Project 0.00060; TOPMed 0.00176; ESP Exome Variant Server 0.00200; gnomAD 0.00212; ExAC 0.00271; gnomAD exomes 0.00277.
gnomAD v4.1: 4,298 of 1,614,150 alleles (0.27%); highest among the groups gnomAD compares: Non-Finnish European, 0.3%; 8 homozygotes.

Submission:

CeGaT Center for Human Genetics Tuebingen
Classification: Likely benign. Last evaluated: 2022-08-01. Review status: criteria provided, single submitter. Criteria: CeGaT Center For Human Genetics Tuebingen Variant Classification Criteria Version 2. Collection method: clinical testing. Allele origin: germline. Affected: yes. Observed: 1 variant allele.
Comment: IL1R2: BP4, BP7